The following is an entry in ClinVar:

ClinVar aggregate classification (germline): Uncertain significance (1 of 4 stars; one submission).

Conditions:
Neuronopathy, distal hereditary motor, autosomal recessive 4. Also called: Autosomal recessive lower motor neuron disease with childhood onset; NEUROPATHY, DISTAL HEREDITARY MOTOR, AUTOSOMAL RECESSIVE 4. Identifiers: Orphanet 206580, MedGen C1970211, MONDO:0012608, OMIM 611067.
Charcot-Marie-Tooth disease recessive intermediate C. Also called: CHARCOT-MARIE-TOOTH NEUROPATHY, RECESSIVE INTERMEDIATE C. Identifiers: Orphanet 369867, MedGen C3809309, MONDO:0014154, OMIM 615376.

Submission:

Labcorp Genetics (formerly Invitae), Labcorp
Classification: Uncertain significance for Neuronopathy, distal hereditary motor, autosomal recessive 4; Charcot-Marie-Tooth disease recessive intermediate C. Last evaluated: 2024-06-24. Review status: criteria provided, single submitter. Criteria: Invitae Variant Classification Sherloc (09022015). Collection method: clinical testing. Allele origin: germline.
Comment: This sequence change replaces threonine, which is neutral and polar, with asparagine, which is neutral and polar, at codon 791 of the PLEKHG5 protein (p.Thr791Asn). This variant is not present in population databases (gnomAD no frequency). This variant has not been reported in the literature in individuals affected with PLEKHG5-related conditions. ClinVar contains an entry for this variant (Variation ID: 1720611). Algorithms developed to predict the effect of missense changes on protein structure and function output the following: SIFT: "Not Available"; PolyPhen-2: "Benign"; Align-GVGD: "Not Available". The asparagine amino acid residue is found in multiple mammalian species, which suggests that this missense change does not adversely affect protein function. In summary, the available evidence is currently insufficient to determine the role of this variant in disease. Therefore, it has been classified as a Variant of Uncertain Significance.

NM_020631.6(PLEKHG5):c.2372C>A (p.Thr791Asn)

Gene: PLEKHG5 (pleckstrin homology and RhoGEF domain containing G5; minus strand). Cytogenetic location: 1p36.31.
Variant type: single nucleotide variant.
Coding change: c.2372C>A on transcript NM_020631.6 (MANE Select); coding-DNA position 2372, C replaced by A.
Protein change: p.Thr791Asn; replaces threonine 791 with asparagine.
Molecular consequence: missense variant.
Genome position (GRCh38, 1-based): chr1:6,468,464, G>T on the plus strand (C>A on the coding strand, the complement: PLEKHG5 is on the minus strand). VCF-style: chr1-6468464-G-T. GRCh37 (hg19) VCF-style: chr1-6528524-G-T.
Other names: c.2483C>A, p.Thr828Asn (NM_001042663.3, NM_001265592.2); c.2372C>A, p.Thr791Asn (NM_001042664.2, NM_001042665.2, NM_001265594.3 and 1 more transcripts); c.2579C>A, p.Thr860Asn (NM_001265593.2); short protein forms T791N, T828N, T860N.
Identifiers: ClinVar variation 1720611 (VCV001720611.6), dbSNP rs2523118522, ClinGen allele CA338117374.
Genomic context (GRCh38, chr1:6,468,464, plus strand): 5'-CGGCCGTCCACCGGACCCAGGGGCAGCAGCTCACTGGTGGGCGTGGCAGATGAGGCAGTG[G>T]TGCTGAGAGAGGTCTCATCAGACTGGGAGCTGAAAGGACCGCTGTCGAACTCGGGGGAGG-3'
Protein context (NP_065682.2, residues 781-801): SSQSDETSLS[Thr791Asn]TASSATPTSE